The following is an entry in ClinVar:

ClinVar aggregate classification (germline): Uncertain significance (1 of 4 stars; one submission).

Conditions:
Baller-Gerold syndrome (BGS). Also called: CRANIOSYNOSTOSIS WITH RADIAL DEFECTS. Identifiers: Orphanet 1225, MedGen C0265308, MONDO:0009039, OMIM 218600.

Allele frequency attached by ClinVar (database versions not stated): TOPMed 0.00001.
gnomAD v4.1: 4 of 1,601,352 alleles (0.00025%); highest among the groups gnomAD compares: East Asian, 0.0068%; no homozygotes.

Submission:

Labcorp Genetics (formerly Invitae), Labcorp
Classification: Uncertain significance for Baller-Gerold syndrome. Last evaluated: 2024-04-29. Review status: criteria provided, single submitter. Criteria: Invitae Variant Classification Sherloc (09022015). Collection method: clinical testing. Allele origin: germline.
Comment: This sequence change replaces arginine, which is basic and polar, with leucine, which is neutral and non-polar, at codon 631 of the RECQL4 protein (p.Arg631Leu). The frequency data for this variant in the population databases is considered unreliable, as metrics indicate poor data quality at this position in the gnomAD database. This variant has not been reported in the literature in individuals affected with RECQL4-related conditions. ClinVar contains an entry for this variant (Variation ID: 941102). Advanced modeling of protein sequence and biophysical properties (such as structural, functional, and spatial information, amino acid conservation, physicochemical variation, residue mobility, and thermodynamic stability) performed at Invitae indicates that this missense variant is not expected to disrupt RECQL4 protein function with a negative predictive value of 80%. In summary, the available evidence is currently insufficient to determine the role of this variant in disease. Therefore, it has been classified as a Variant of Uncertain Significance.

NM_004260.4(RECQL4):c.1892G>T (p.Arg631Leu)

Gene: RECQL4 (RecQ like helicase 4; minus strand). Cytogenetic location: 8q24.3.
Variant type: single nucleotide variant.
Coding change: c.1892G>T on transcript NM_004260.4 (MANE Select); coding-DNA position 1892, G replaced by T.
Protein change: p.Arg631Leu; replaces arginine 631 with leucine.
Molecular consequence: missense variant.
Genome position (GRCh38, 1-based): chr8:144,514,094, C>A on the plus strand (G>T on the coding strand, the complement: RECQL4 is on the minus strand). VCF-style: chr8-144514094-C-A. GRCh37 (hg19) VCF-style: chr8-145739478-C-A.
Other names: short protein forms R631L.
Identifiers: ClinVar variation 941102 (VCV000941102.8), dbSNP rs771179943, ClinGen allele CA4948585.